The following is an entry in ClinVar:

NM_001164277.2(SLC37A4):c.1265G>C (p.Gly422Ala)

Gene: SLC37A4 (solute carrier family 37 member 4; minus strand). Cytogenetic location: 11q23.3.
Variant type: single nucleotide variant.
Coding change: c.1265G>C on transcript NM_001164277.2 (MANE Select); coding-DNA position 1265, G replaced by C.
Protein change: p.Gly422Ala; replaces glycine 422 with alanine.
Molecular consequence: missense variant.
Genome position (GRCh38, 1-based): chr11:119,024,935, C>G on the plus strand (G>C on the coding strand, the complement: SLC37A4 is on the minus strand). VCF-style: chr11-119024935-C-G. GRCh37 (hg19) VCF-style: chr11-118895645-C-G.
Other names: c.1331G>C, p.Gly444Ala (NM_001164278.2); c.1046G>C, p.Gly349Ala (NM_001164279.2); c.1265G>C, p.Gly422Ala (NM_001164280.2, NM_001467.6); short protein forms G349A, G422A, G444A.
Identifiers: ClinVar variation 1474565 (VCV001474565.6), dbSNP rs2134626279, ClinGen allele CA382893411.

ClinVar aggregate classification (germline): Uncertain significance (1 of 4 stars; one submission).

Conditions:
Glucose-6-phosphate transport defect (GSD1B). Also called: Glycogen Storage Disease Type Ib; GSD Ib. Identifiers: Orphanet 364, Orphanet 79259, MedGen C0268146, MONDO:0009288, OMIM 232220.

Submission:

Labcorp Genetics (formerly Invitae), Labcorp
Classification: Uncertain significance for Glucose-6-phosphate transport defect. Last evaluated: 2022-02-05. Review status: criteria provided, single submitter. Criteria: Invitae Variant Classification Sherloc (09022015). Collection method: clinical testing. Allele origin: germline.
Comment: In summary, the available evidence is currently insufficient to determine the role of this variant in disease. Therefore, it has been classified as a Variant of Uncertain Significance. Experimental studies and prediction algorithms are not available or were not evaluated, and the functional significance of this variant is currently unknown. This variant has not been reported in the literature in individuals affected with SLC37A4-related conditions. This variant is not present in population databases (gnomAD no frequency). This sequence change replaces glycine, which is neutral and non-polar, with alanine, which is neutral and non-polar, at codon 422 of the SLC37A4 protein (p.Gly422Ala).